The following is an entry in ClinVar:

ClinVar aggregate classification (germline): Likely benign. Review status: criteria provided, multiple submitters, no conflicts (2 of 4 stars). 3 submissions from 3 submitters: Likely benign (3). Last evaluated 2026-05-29.

Conditions:
Gastrointestinal stromal tumor. Also called: Gastrointestinal stroma tumor; Gastrointestinal stromal tumor, somatic. Identifiers: Orphanet 44890, MedGen C0238198, MeSH D046152, MONDO:0011719, OMIM 606764, HP:0100723.

Allele frequency attached by ClinVar (database versions not stated): gnomAD 0.00006; TOPMed 0.00010; 1000 Genomes Project 30x 0.00016; 1000 Genomes Project 0.00020.
gnomAD v4.1: 55 of 1,613,142 alleles (0.0034%); highest among the groups gnomAD compares: Middle Eastern, 0.05%; no homozygotes.

Submissions (3):

Myriad Genetics, Inc.
Classification: Likely benign for Gastrointestinal stromal tumor. Last evaluated: 2026-05-29. Review status: criteria provided, single submitter. Criteria: Myriad Autosomal Dominant, Autosomal Recessive and X-Linked Classification Criteria (2023). Collection method: clinical testing. Allele origin: unknown.
Comment: This variant is considered likely benign. This variant is intronic and is not expected to impact mRNA splicing. This variant has been observed at a population frequency that is significantly greater than expected given the associated disease prevalence and penetrance.

Labcorp Genetics (formerly Invitae), Labcorp
Classification: Likely benign for Gastrointestinal stromal tumor. Last evaluated: 2026-01-05. Review status: criteria provided, single submitter. Criteria: Invitae Variant Classification Sherloc (09022015). Collection method: clinical testing. Allele origin: germline.

Blueprint Genetics
Classification: Likely benign. Last evaluated: 2024-08-09. Review status: criteria provided, single submitter. Criteria: ACMG Guidelines, 2015. Collection method: clinical testing. Allele origin: germline.

NM_000222.3(KIT):c.2234-13C>G

Gene: KIT (KIT proto-oncogene, receptor tyrosine kinase; plus strand). Cytogenetic location: 4q12.
Variant type: single nucleotide variant.
Coding change: c.2234-13C>G on transcript NM_000222.3 (MANE Select); 13 bases into the intron before coding-DNA position 2234, C replaced by G.
Molecular consequence: intron variant.
Genome position (GRCh38, 1-based): chr4:54,731,858, C>G. VCF-style: chr4-54731858-C-G. GRCh37 (hg19) VCF-style: chr4-55598024-C-G.
Other names: c.2237-13C>G (NM_001385284.1); c.2234-13C>G (NM_001385290.1); c.2225-13C>G (NM_001385288.1); c.2222-13C>G (NM_001385292.1, NM_001093772.2); c.2231-13C>G (NM_001385285.1); c.2219-13C>G (NM_001385286.1).
Identifiers: ClinVar variation 1520106 (VCV001520106.10), dbSNP rs200731869, ClinGen allele CA2923699.